The following is an entry in ClinVar:

NM_020971.3(SPTBN4):c.4967C>T (p.Thr1656Ile)

Gene: SPTBN4 (spectrin beta, non-erythrocytic 4; plus strand). Cytogenetic location: 19q13.2.
Variant type: single nucleotide variant.
Coding change: c.4967C>T on transcript NM_020971.3 (MANE Select); coding-DNA position 4967, C replaced by T.
Protein change: p.Thr1656Ile; replaces threonine 1656 with isoleucine.
Molecular consequence: missense variant.
Genome position (GRCh38, 1-based): chr19:40,554,529, C>T. VCF-style: chr19-40554529-C-T. GRCh37 (hg19) VCF-style: chr19-41060435-C-T.
Other names: c.995C>T, p.Thr332Ile (NM_025213.3); short protein forms T1656I, T332I.
Identifiers: ClinVar variation 2574838 (VCV002574838.1), dbSNP rs2515176084, ClinGen allele CA405926543.

ClinVar aggregate classification (germline): Uncertain significance (1 of 4 stars; one submission).

Submission:

GeneDx
Classification: Uncertain significance. Last evaluated: 2023-02-02. Review status: criteria provided, single submitter. Criteria: GeneDx Variant Classification Process June 2021. Collection method: clinical testing. Allele origin: germline. Affected: yes.
Comment: Not observed at significant frequency in large population cohorts (gnomAD); In silico analysis supports that this missense variant has a deleterious effect on protein structure/function; Has not been previously published as pathogenic or benign to our knowledge